The following is an entry in ClinVar:

ClinVar aggregate classification (germline): Pathogenic. Review status: criteria provided, multiple submitters, no conflicts (2 of 4 stars). 2 submissions from 2 submitters: Pathogenic (2). Last evaluated 2024-04-18.

Conditions:
Hereditary breast ovarian cancer syndrome. Also called: Hereditary breast and ovarian cancer; Hereditary breast and ovarian cancer syndrome (HBOC); Breast and ovarian cancer; Hereditary breast and ovarian cancer syndrome; Hereditary breast and/or ovarian cancer syndrome; BRCA1- and BRCA2-Associated Hereditary Breast and Ovarian Cancer. Identifiers: Orphanet 145, MedGen C0677776, MeSH D061325, MONDO:0003582. Disease mechanism: loss of function.
Hereditary cancer-predisposing syndrome. Also called: Tumor predisposition; Neoplastic Syndromes, Hereditary; Hereditary Cancer Syndrome; Hereditary neoplastic syndrome. Identifiers: Orphanet 140162, MedGen C0027672, MeSH D009386, MONDO:0015356.

Submissions (2):

Ambry Genetics
Classification: Pathogenic for Hereditary cancer-predisposing syndrome. Last evaluated: 2024-04-18. Review status: criteria provided, single submitter. Criteria: Ambry Variant Classification Scheme 2023. Collection method: clinical testing. Allele origin: germline.
Comment: The c.6832dupA pathogenic mutation, located in coding exon 10 of the BRCA2 gene, results from a duplication of A at nucleotide position 6832, causing a translational frameshift with a predicted alternate stop codon (p.I2278Nfs*15). This alteration is expected to result in loss of function by premature protein truncation or nonsense-mediated mRNA decay. As such, this alteration is interpreted as a disease-causing mutation.

Labcorp Genetics (formerly Invitae), Labcorp
Classification: Pathogenic for Hereditary breast ovarian cancer syndrome. Last evaluated: 2023-06-16. Review status: criteria provided, single submitter. Criteria: Invitae Variant Classification Sherloc (09022015). Collection method: clinical testing. Allele origin: germline.
Comment: For these reasons, this variant has been classified as Pathogenic. ClinVar contains an entry for this variant (Variation ID: 1455315). This premature translational stop signal has been observed in individual(s) with a personal or family history of breast cancer (PMID: 29752822). This variant is not present in population databases (gnomAD no frequency). This sequence change creates a premature translational stop signal (p.Ile2278Asnfs*15) in the BRCA2 gene. It is expected to result in an absent or disrupted protein product. Loss-of-function variants in BRCA2 are known to be pathogenic (PMID: 20104584).

Literature cited by the submitters: PubMed 29752822 (cited by Labcorp Genetics (formerly Invitae), Labcorp); PubMed 20104584 (cited by Labcorp Genetics (formerly Invitae), Labcorp).

NM_000059.4(BRCA2):c.6832dup (p.Ile2278fs)

Gene: BRCA2 (BRCA2 DNA repair associated; plus strand). Cytogenetic location: 13q13.1.
Variant type: Duplication.
Coding change: c.6832dup on transcript NM_000059.4 (MANE Select); coding-DNA position 6832, one base duplicated (A; older notation c.6832dupA).
Protein change: p.Ile2278fs; shifts the reading frame from isoleucine 2278.
Molecular consequence: frameshift variant.
Genome position (GRCh38, 1-based): chr13:32,341,187, A duplicated. VCF-style (leftmost placement, unchanged base first): chr13-32341186-T-TA. GRCh37 (hg19) VCF-style: chr13-32915323-T-TA.
Other names: c.6832dupA (NM_000059.3); short protein forms I2278fs.
Identifiers: ClinVar variation 1455315 (VCV001455315.7), dbSNP rs1593909929, ClinGen allele CA2499222255.
Genomic context (GRCh38, chr13:32,341,186, plus strand): 5'-CGAAAATGAGGAAATGGTTTTGTCAAATTCAAGAATTGGAAAAAGAAGAGGAGAGCCCCT[T>TA]ATCTTAGTGGGTAAGTGTTCATTTTTACCTTTCGTGTTGCCAATCACTATTTTTAAAGTG-3'